The following is an entry in ClinVar:

ClinVar aggregate classification (germline): Pathogenic (1 of 4 stars; one submission).

Conditions:
Duchenne muscular dystrophy (DMD). Also called: MUSCULAR DYSTROPHY, PSEUDOHYPERTROPHIC PROGRESSIVE, DUCHENNE TYPE; Duchenne Muscular Dystrophy (DMD). Identifiers: Orphanet 98896, MedGen C0013264, MONDO:0010679, OMIM 310200.

Submission:

Labcorp Genetics (formerly Invitae), Labcorp
Classification: Pathogenic for Duchenne muscular dystrophy. Last evaluated: 2025-10-05. Review status: criteria provided, single submitter. Criteria: Invitae Variant Classification Sherloc (09022015). Collection method: clinical testing. Allele origin: germline.
Comment: This sequence change creates a premature translational stop signal (p.Asn2299Aspfs*14) in the DMD gene. It is expected to result in an absent or disrupted protein product. Loss-of-function variants in DMD are known to be pathogenic (PMID: 16770791, 25007885). This variant is not present in population databases (gnomAD no frequency). This variant has not been reported in the literature in individuals affected with DMD-related conditions. For these reasons, this variant has been classified as Pathogenic.

Literature cited by the submitters: PubMed 16770791; PubMed 25007885.

NM_004006.3(DMD):c.6891_6894dup (p.Asn2299fs)

Gene: DMD (dystrophin; minus strand). Cytogenetic location: Xp21.1.
Variant type: Duplication.
Coding change: c.6891_6894dup on transcript NM_004006.3 (MANE Select); coding-DNA positions 6891 to 6894, 4 bases duplicated (GACA; older notation c.6891_6894dupGACA).
Protein change: p.Asn2299fs; shifts the reading frame from asparagine 2299.
Molecular consequence: frameshift variant. On other transcripts: 5 prime UTR variant (5).
Genome position (GRCh38, 1-based): chrX:31,929,614-31,929,617, TGTC duplicated on the plus strand (GACA on the coding strand, the reverse complement: DMD is on the minus strand); duplicating any 4 consecutive bases within chrX:31,929,614-31,929,619 gives the same sequence; the c. name uses the placement nearest the transcript's 3' end. VCF-style (leftmost placement, unchanged base first): chrX-31929613-T-TTGTC. GRCh37 (hg19) VCF-style: chrX-31947730-T-TTGTC.
Other names: c.6867_6870dup, p.Asn2291fs (NM_000109.4); c.6879_6882dup, p.Asn2295fs (NM_004009.3); c.6522_6525dup, p.Asn2176fs (NM_004010.3); c.2868_2871dup, p.Asn958fs (NM_004011.4); c.2859_2862dup, p.Asn955fs (NM_004012.4); c.-490_-487dup (NM_004013.3, NM_004020.4, NM_004021.3 and 2 more transcripts); short protein forms N2176fs, N2291fs, N958fs, N2295fs, N2299fs, N955fs.
Identifiers: ClinVar variation 4728475 (VCV004728475.1).